The following is an entry in ClinVar:

ClinVar aggregate classification (germline): Uncertain significance (1 of 4 stars; one submission).

Conditions:
Macrothrombocytopenia, isolated, 2, autosomal dominant (MACTHC2). Identifiers: MedGen C5676968, MONDO:0030827, OMIM 619840.

Submission:

Laboratorio de Genetica e Diagnostico Molecular, Hospital Israelita Albert Einstein
Classification: Uncertain significance for Macrothrombocytopenia, isolated, 2, autosomal dominant. Last evaluated: 2023-09-27. Review status: criteria provided, single submitter. Criteria: ACMG Guidelines, 2015. Collection method: clinical testing. Allele origin: germline. Affected: yes.
Comment: ACMG classification criteria: PM2 moderate

NM_018943.3(TUBA8):c.1220G>A (p.Trp407Ter)

Gene: TUBA8 (tubulin alpha 8; plus strand). Cytogenetic location: 22q11.21.
Variant type: single nucleotide variant.
Coding change: c.1220G>A on transcript NM_018943.3 (MANE Select); coding-DNA position 1220, G replaced by A.
Protein change: p.Trp407Ter; replaces tryptophan 407 with a stop codon.
Molecular consequence: nonsense.
Genome position (GRCh38, 1-based): chr22:18,131,006, G>A. VCF-style: chr22-18131006-G-A. GRCh37 (hg19) VCF-style: chr22-18613773-G-A.
Other names: c.1022G>A, p.Trp341Ter (NM_001193414.2); short protein forms W341*, W407*.
Identifiers: ClinVar variation 4076279 (VCV004076279.1).
Genomic context (GRCh38, chr22:18,131,006, plus strand): 5'-CCTGGGCCCGCCTCGACCACAAGTTCGACCTCATGTACGCCAAGCGGGCCTTTGTGCATT[G>A]GTATGTGGGAGAGGGGATGGAAGAAGGAGAATTTTCTGAGGCCAGGGAAGACTTAGCTGC-3'